The following is an entry in ClinVar:

NM_006950.3(SYN1):c.317C>T (p.Ala106Val)

Gene: SYN1 (synapsin I; minus strand). Cytogenetic location: Xp11.23.
Variant type: single nucleotide variant.
Coding change: c.317C>T on transcript NM_006950.3 (MANE Select); coding-DNA position 317, C replaced by T.
Protein change: p.Ala106Val; replaces alanine 106 with valine.
Molecular consequence: missense variant.
Genome position (GRCh38, 1-based): chrX:47,619,412, G>A on the plus strand (C>T on the coding strand, the complement: SYN1 is on the minus strand). VCF-style: chrX-47619412-G-A. GRCh37 (hg19) VCF-style: chrX-47478811-G-A.
Other names: c.317C>T, p.Ala106Val (NM_133499.2); short protein forms A106V.
Identifiers: ClinVar variation 4769152 (VCV004769152.1).
Genomic context (GRCh38, chrX:47,619,412, plus strand): 5'-CAGTCGGTGTGCGGCTCGTCGATGACCAGCAGCACCCTGGAGGCGGCTCCCCCGCGGCCT[G>A]CGCCCCCAGAGCCGCCGCCCACCTGCTCGCTGAAGGTGGCAGCTGCCGCCGCCGTGGTCT-3'
Protein context (NP_008881.2, residues 96-116): SEQVGGGSGG[Ala106Val]GRGGAASRVL

ClinVar aggregate classification (germline): Uncertain significance (1 of 4 stars; one submission).

Conditions:
Epilepsy, X-linked 1, with variable learning disabilities and behavior disorders. Also called: X-linked epilepsy-learning disabilities-behavior disorders syndrome. Identifiers: Orphanet 85294, MedGen C5774177, MONDO:0010339, OMIM 300491.

gnomAD v4.1: 3 of 1,188,052 alleles (0.00025%); highest among the groups gnomAD compares: Non-Finnish European, 0.00011%; no homozygotes.

Submission:

Labcorp Genetics (formerly Invitae), Labcorp
Classification: Uncertain significance for Epilepsy, X-linked 1, with variable learning disabilities and behavior disorders. Last evaluated: 2025-09-27. Review status: criteria provided, single submitter. Criteria: Invitae Variant Classification Sherloc (09022015). Collection method: clinical testing. Allele origin: germline.
Comment: This sequence change replaces alanine, which is neutral and non-polar, with valine, which is neutral and non-polar, at codon 106 of the SYN1 protein (p.Ala106Val). This variant is present in population databases (no rsID available, gnomAD 0.003%). This variant has not been reported in the literature in individuals affected with SYN1-related conditions. An algorithm developed to predict the effect of missense changes on protein structure and function (PolyPhen-2) suggests that this variant is likely to be tolerated. In summary, the available evidence is currently insufficient to determine the role of this variant in disease. Therefore, it has been classified as a Variant of Uncertain Significance.